The following is an entry in ClinVar:

NM_001330260.2(SCN8A):c.829C>T (p.Leu277Phe)

Gene: SCN8A (sodium voltage-gated channel alpha subunit 8; plus strand). Cytogenetic location: 12q13.13.
Variant type: single nucleotide variant.
Coding change: c.829C>T on transcript NM_001330260.2 (MANE Select); coding-DNA position 829, C replaced by T.
Protein change: p.Leu277Phe; replaces leucine 277 with phenylalanine.
Molecular consequence: missense variant.
Genome position (GRCh38, 1-based): chr12:51,699,692, C>T. VCF-style: chr12-51699692-C-T. GRCh37 (hg19) VCF-style: chr12-52093476-C-T.
Other names: c.829C>T, p.Leu277Phe (NM_001177984.3, NM_001369788.1, NM_014191.4); short protein forms L277F.
Identifiers: ClinVar variation 3438337 (VCV003438337.1).
Genomic context (GRCh38, chr12:51,699,692, plus strand): 5'-CTGACAGTGTTCTGCCTGAGTGTTTTTGCCTTGATCGGACTGCAGCTGTTCATGGGGAAC[C>T]TTCGAAACAAGTGTGTTGTGTGGCCCATAAACTTCAACGAGAGCTATCTTGAAAATGGCA-3'
Protein context (NP_001317189.1, residues 267-287): LIGLQLFMGN[Leu277Phe]RNKCVVWPIN

ClinVar aggregate classification (germline): Uncertain significance (1 of 4 stars; one submission).

Conditions:
Inborn genetic diseases. Identifiers: MedGen C0950123, MeSH D030342.

Submission:

Ambry Genetics
Classification: Uncertain significance for Inborn genetic diseases. Last evaluated: 2024-08-16. Review status: criteria provided, single submitter. Criteria: Ambry Variant Classification Scheme 2023. Collection method: clinical testing. Allele origin: germline.
Comment: The c.829C>T (p.L277F) alteration is located in exon 7 (coding exon 6) of the SCN8A gene. This alteration results from a C to T substitution at nucleotide position 829, causing the leucine (L) at amino acid position 277 to be replaced by a phenylalanine (F). This variant was not reported in population-based cohorts in the Genome Aggregation Database (gnomAD). This amino acid position is highly conserved in available vertebrate species. This missense alteration is located in a region that has a low rate of benign missense variation (Lek, 2016; Firth, 2009). This alteration is predicted to be deleterious by in silico analysis. Based on insufficient or conflicting evidence, the clinical significance of this alteration remains unclear.